The following is an entry in ClinVar:

NM_002894.3(RBBP8):c.2455-4T>G

Gene: RBBP8 (RB binding protein 8, endonuclease; plus strand). Cytogenetic location: 18q11.2.
Variant type: single nucleotide variant.
Coding change: c.2455-4T>G on transcript NM_002894.3 (MANE Select); 4 bases into the intron before coding-DNA position 2455, T replaced by G.
Molecular consequence: intron variant.
Genome position (GRCh38, 1-based): chr18:23,022,125, T>G. VCF-style: chr18-23022125-T-G. GRCh37 (hg19) VCF-style: chr18-20602088-T-G.
Other names: c.2358-4T>G (NM_203292.2); c.2455-4T>G (NM_203291.2).
Identifiers: ClinVar variation 212021 (VCV000212021.12), dbSNP rs374660795, ClinGen allele CA209125.

ClinVar aggregate classification (germline): Uncertain significance. Review status: criteria provided, multiple submitters, no conflicts (2 of 4 stars). 5 submissions from 5 submitters: Uncertain significance (5). Last evaluated 2025-03-04.

Allele frequency attached by ClinVar (database versions not stated): gnomAD 0.00006 and 0.00009; ESP Exome Variant Server 0.00008; TOPMed 0.00010; gnomAD exomes 0.00012; ExAC 0.00015.
gnomAD v4.1: 179 of 1,590,314 alleles (0.011%); highest among the groups gnomAD compares: Middle Eastern, 0.05%; no homozygotes.

Submissions (5):

Center for Genomic Medicine, Rigshospitalet, Copenhagen University Hospital
Classification: Uncertain significance. Last evaluated: 2025-03-04. Review status: criteria provided, single submitter. Criteria: ACMG Guidelines, 2015. Collection method: clinical testing. Allele origin: germline.

Labcorp Genetics (formerly Invitae), Labcorp
Classification: Uncertain significance. Last evaluated: 2022-06-20. Review status: criteria provided, single submitter. Criteria: Invitae Variant Classification Sherloc (09022015). Collection method: clinical testing. Allele origin: germline.
Comment: This sequence change falls in intron 17 of the RBBP8 gene. It does not directly change the encoded amino acid sequence of the RBBP8 protein. This variant is present in population databases (rs374660795, gnomAD 0.02%). This variant has been observed in individual(s) with arthrogryposis multiplex congenita (PMID: 24319099). ClinVar contains an entry for this variant (Variation ID: 212021). Algorithms developed to predict the effect of sequence changes on RNA splicing suggest that this variant may disrupt the consensus splice site. In summary, the available evidence is currently insufficient to determine the role of this variant in disease. Therefore, it has been classified as a Variant of Uncertain Significance.

GeneDx
Classification: Uncertain significance. Last evaluated: 2018-02-20. Review status: criteria provided, single submitter. Criteria: GeneDx Variant Classification (06012015). Collection method: clinical testing. Allele origin: germline. Affected: yes.
Comment: The c.2455-4 T>G splice site variant in the RBBP8 gene has been reported previously as a homozygous variant in an individual with arthrogryposis multiplex, hypo/akinesia, pterygium, micrognathia, cleft palate, and hygroma (Laquerriere et al., 2014). The c.2455-4 T>G variant is observed in 26/111606 (0.2%) alleles from individuals of European background (Lek et al., 2016). This variant is predicted to reduce the quality of the splice acceptor site in intron 17. Functional studies demonstrate skipping of the adjacent exon 18, leading to a frameshift and stop codon (Laquerriere et al., 2014). Based on the currently available information, it is unclear whether this variant is a pathogenic variant or a rare benign variant.

Genetic Services Laboratory, University of Chicago
Classification: Uncertain significance. Last evaluated: 2015-04-28. Review status: criteria provided, single submitter. Criteria: ACMG Guidelines, 2015. Collection method: clinical testing. Allele origin: germline.

Breakthrough Genomics
Classification: Uncertain significance. Review status: criteria provided, single submitter. Criteria: ACMG Guidelines, 2015. Collection method: not provided. Allele origin: germline. Inheritance: Autosomal recessive inheritance. Affected: yes.

Literature cited by the submitters: PubMed 24319099 (cited by Center for Genomic Medicine, Rigshospitalet, Copenhagen University Hospital and Labcorp Genetics (formerly Invitae), Labcorp); PubMed 32379725 (cited by Center for Genomic Medicine, Rigshospitalet, Copenhagen University Hospital).